The following is an entry in ClinVar:

NM_173495.3(PTCHD1):c.93G>A (p.Ala31=)

Gene: PTCHD1 (patched domain containing 1; plus strand). Cytogenetic location: Xp22.11.
Variant type: single nucleotide variant.
Coding change: c.93G>A on transcript NM_173495.3 (MANE Select); coding-DNA position 93, G replaced by A.
Protein change: p.Ala31=; no amino-acid change (alanine 31 retained).
Molecular consequence: synonymous variant.
Genome position (GRCh38, 1-based): chrX:23,334,968, G>A. VCF-style: chrX-23334968-G-A. GRCh37 (hg19) VCF-style: chrX-23353085-G-A.
Identifiers: ClinVar variation 96547 (VCV000096547.16), dbSNP rs12014412, ClinGen allele CA149608.

ClinVar aggregate classification (germline): Benign. Review status: criteria provided, multiple submitters, no conflicts (2 of 4 stars). 5 submissions from 5 submitters: Benign (4). 1 of the submissions does not count toward it. Last evaluated 2018-09-27.

Conditions:
Inborn genetic diseases. Identifiers: MedGen C0950123, MeSH D030342.

Allele frequency attached by ClinVar (database versions not stated): gnomAD 0.03434 and 0.03486; ESP Exome Variant Server 0.03614; TOPMed 0.03684; 1000 Genomes Project 0.04000; 1000 Genomes Project 30x 0.04058; gnomAD exomes 0.02151 and 0.02298; ExAC 0.03235.
gnomAD v4.1: 27,574 of 1,207,082 alleles (2.3%); highest among the groups gnomAD compares: African/African-American, 7.5%; 346 homozygotes.

Submissions (5):

GeneDx
Classification: Benign. Last evaluated: 2018-09-27. Review status: criteria provided, single submitter. Criteria: GeneDx Variant Classification Process June 2021. Collection method: clinical testing. Allele origin: germline. Affected: yes.

Ambry Genetics
Classification: Benign for Inborn genetic diseases. Last evaluated: 2016-03-23. Review status: criteria provided, single submitter. Criteria: Ambry Variant Classification Scheme 2023. Collection method: clinical testing. Allele origin: germline.

Eurofins Ntd Llc (ga)
Classification: Benign. Last evaluated: 2013-09-04. Review status: criteria provided, single submitter. Criteria: EGL Classification Definitions 2015. Collection method: clinical testing. Allele origin: germline. Observed: 4 variant alleles, 3 heterozygotes, 1 hemizygote.

Breakthrough Genomics
Classification: Benign. Review status: criteria provided, single submitter. Criteria: ACMG Guidelines, 2015. Collection method: not provided. Allele origin: germline. Inheritance: X-linked inheritance. Affected: yes.

Genetic Services Laboratory, University of Chicago
Classification: Likely benign for AllHighlyPenetrant. Review status: no assertion criteria provided. Collection method: clinical testing. Allele origin: germline. Inheritance: X-linked inheritance. Not counted in ClinVar's aggregate classification.
Comment: Likely benign based on allele frequency in 1000 Genomes Project or ESP global frequency and its presence in a patient with a rare or unrelated disease phenotype. NOT Sanger confirmed.